The following is an entry in ClinVar:

ClinVar aggregate classification (germline): Uncertain significance. Review status: criteria provided, multiple submitters, no conflicts (2 of 4 stars). 2 submissions from 2 submitters: Uncertain significance (2). Last evaluated 2025-06-29.

Conditions:
Inborn genetic diseases. Identifiers: MedGen C0950123, MeSH D030342.

gnomAD v4.1: 14 of 1,613,136 alleles (0.00087%); highest among the groups gnomAD compares: Non-Finnish European, 0.0012%; no homozygotes.

Submissions (2):

Ambry Genetics
Classification: Uncertain significance for Inborn genetic diseases. Last evaluated: 2025-06-29. Review status: criteria provided, single submitter. Criteria: Ambry Variant Classification Scheme 2023. Collection method: clinical testing. Allele origin: germline.

Labcorp Genetics (formerly Invitae), Labcorp
Classification: Uncertain significance. Last evaluated: 2024-11-13. Review status: criteria provided, single submitter. Criteria: Invitae Variant Classification Sherloc (09022015). Collection method: clinical testing. Allele origin: germline.
Comment: This sequence change replaces serine, which is neutral and polar, with threonine, which is neutral and polar, at codon 301 of the ITPR1 protein (p.Ser301Thr). This variant is present in population databases (rs374940696, gnomAD 0.002%). This variant has not been reported in the literature in individuals affected with ITPR1-related conditions. Invitae Evidence Modeling of protein sequence and biophysical properties (such as structural, functional, and spatial information, amino acid conservation, physicochemical variation, residue mobility, and thermodynamic stability) has been performed for this missense variant. However, the output from this modeling did not meet the statistical confidence thresholds required to predict the impact of this variant on ITPR1 protein function. In summary, the available evidence is currently insufficient to determine the role of this variant in disease. Therefore, it has been classified as a Variant of Uncertain Significance.

NM_001378452.1(ITPR1):c.902G>C (p.Ser301Thr)

Gene: ITPR1 (inositol 1,4,5-trisphosphate receptor type 1; plus strand). Cytogenetic location: 3p26.1.
Variant type: single nucleotide variant.
Coding change: c.902G>C on transcript NM_001378452.1 (MANE Select); coding-DNA position 902, G replaced by C.
Protein change: p.Ser301Thr; replaces serine 301 with threonine.
Molecular consequence: missense variant.
Genome position (GRCh38, 1-based): chr3:4,652,169, G>C. VCF-style: chr3-4652169-G-C. GRCh37 (hg19) VCF-style: chr3-4693853-G-C.
Other names: c.902G>C (NM_002222.5); c.902G>C, p.Ser301Thr (NM_001099952.4, NM_001168272.2, NM_002222.7); short protein forms S301T.
Identifiers: ClinVar variation 3713060 (VCV003713060.3).